The following is an entry in ClinVar:

NM_000271.5(NPC1):c.2330C>T (p.Thr777Ile)

Gene: NPC1 (NPC intracellular cholesterol transporter 1; minus strand). Cytogenetic location: 18q11.2.
Variant type: single nucleotide variant.
Coding change: c.2330C>T on transcript NM_000271.5 (MANE Select); coding-DNA position 2330, C replaced by T.
Protein change: p.Thr777Ile; replaces threonine 777 with isoleucine.
Molecular consequence: missense variant.
Genome position (GRCh38, 1-based): chr18:23,541,349, G>A on the plus strand (C>T on the coding strand, the complement: NPC1 is on the minus strand). VCF-style: chr18-23541349-G-A. GRCh37 (hg19) VCF-style: chr18-21121313-G-A.
Other names: short protein forms T777I.
Identifiers: ClinVar variation 1377854 (VCV001377854.6), dbSNP rs750232059, ClinGen allele CA401793674.

ClinVar aggregate classification (germline): Uncertain significance (1 of 4 stars; one submission).

Conditions:
Niemann-Pick disease, type C1. Also called: NIEMANN-PICK DISEASE, VARIANT TYPE C1; NEUROVISCERAL STORAGE DISEASE WITH VERTICAL SUPRANUCLEAR OPHTHALMOPLEGIA; NIEMANN-PICK DISEASE WITH CHOLESTEROL ESTERIFICATION BLOCK; NIEMANN-PICK DISEASE WITHOUT SPHINGOMYELINASE DEFICIENCY; NIEMANN-PICK DISEASE, CHRONIC NEURONOPATHIC FORM. Identifiers: Orphanet 646, MedGen C3179455, MONDO:0009757, OMIM 257220.

Submission:

Labcorp Genetics (formerly Invitae), Labcorp
Classification: Uncertain significance for Niemann-Pick disease, type C1. Last evaluated: 2021-08-27. Review status: criteria provided, single submitter. Criteria: Invitae Variant Classification Sherloc (09022015). Collection method: clinical testing. Allele origin: germline.
Comment: This sequence change replaces threonine with isoleucine at codon 777 of the NPC1 protein (p.Thr777Ile). The threonine residue is highly conserved and there is a moderate physicochemical difference between threonine and isoleucine. This variant is not present in population databases (ExAC no frequency). This variant has not been reported in the literature in individuals affected with NPC1-related conditions. Advanced modeling of protein sequence and biophysical properties (such as structural, functional, and spatial information, amino acid conservation, physicochemical variation, residue mobility, and thermodynamic stability) performed at Invitae indicates that this missense variant is expected to disrupt NPC1 protein function. In summary, the available evidence is currently insufficient to determine the role of this variant in disease. Therefore, it has been classified as a Variant of Uncertain Significance.